The following is an entry in ClinVar:

ClinVar aggregate classification (germline): Uncertain significance (1 of 4 stars; one submission).

Allele frequency attached by ClinVar (database versions not stated): gnomAD exomes below 0.00001; TOPMed below 0.00001; gnomAD 0.00001.
gnomAD v4.1: 2 of 1,612,732 alleles (0.00012%); highest among the groups gnomAD compares: Admixed American, 0.0033%; no homozygotes.

Submission:

Labcorp Genetics (formerly Invitae), Labcorp
Classification: Uncertain significance. Last evaluated: 2023-12-11. Review status: criteria provided, single submitter. Criteria: Invitae Variant Classification Sherloc (09022015). Collection method: clinical testing. Allele origin: germline.
Comment: This sequence change replaces glutamic acid, which is acidic and polar, with lysine, which is basic and polar, at codon 50 of the JAM3 protein (p.Glu50Lys). This variant is present in population databases (no rsID available, gnomAD 0.003%). This variant has not been reported in the literature in individuals affected with JAM3-related conditions. ClinVar contains an entry for this variant (Variation ID: 1491785). Advanced modeling of protein sequence and biophysical properties (such as structural, functional, and spatial information, amino acid conservation, physicochemical variation, residue mobility, and thermodynamic stability) performed at Invitae indicates that this missense variant is not expected to disrupt JAM3 protein function with a negative predictive value of 80%. In summary, the available evidence is currently insufficient to determine the role of this variant in disease. Therefore, it has been classified as a Variant of Uncertain Significance.

NM_032801.5(JAM3):c.148G>A (p.Glu50Lys)

Gene: JAM3 (junctional adhesion molecule 3; plus strand). Cytogenetic location: 11q25.
Variant type: single nucleotide variant.
Coding change: c.148G>A on transcript NM_032801.5 (MANE Select); coding-DNA position 148, G replaced by A.
Protein change: p.Glu50Lys; replaces glutamic acid 50 with lysine.
Molecular consequence: missense variant.
Genome position (GRCh38, 1-based): chr11:134,140,662, G>A. VCF-style: chr11-134140662-G-A. GRCh37 (hg19) VCF-style: chr11-134010557-G-A.
Other names: c.148G>A, p.Glu50Lys (NM_001205329.2); short protein forms E50K.
Identifiers: ClinVar variation 1491785 (VCV001491785.8), dbSNP rs1407009125, ClinGen allele CA383495746.